The following is an entry in ClinVar:

ClinVar aggregate classification (germline): Pathogenic. Review status: criteria provided, multiple submitters, no conflicts (2 of 4 stars). 9 submissions from 9 submitters: Pathogenic (8). 1 of the submissions does not count toward it. Last evaluated 2026-04-01.

Conditions:
Hereditary retinoblastoma. Identifiers: Orphanet 357027, MedGen C0751483, MONDO:0018160.
Hereditary cancer-predisposing syndrome. Also called: Tumor predisposition; Hereditary neoplastic syndrome; Neoplastic Syndromes, Hereditary; Hereditary Cancer Syndrome. Identifiers: Orphanet 140162, MedGen C0027672, MeSH D009386, MONDO:0015356.
Retinoblastoma (RB1). Also called: RETINOBLASTOMA, SOMATIC. Identifiers: Orphanet 790, MedGen C0035335, MeSH D012175, MONDO:0008380, OMIM 180200, HP:0009919. Disease mechanism: loss of function. Inheritance: Both sporadic and heritable forms are tested..

gnomAD v4.1: 1 of 1,612,974 alleles (0.000062%); highest among the groups gnomAD compares: Non-Finnish European, 0.000085%; no homozygotes.

Submissions (9):

CeGaT Center for Human Genetics Tuebingen
Classification: Pathogenic. Last evaluated: 2026-04-01. Review status: criteria provided, single submitter. Criteria: CeGaT Center For Human Genetics Tuebingen Variant Classification Criteria Version 2. Collection method: clinical testing. Allele origin: germline. Affected: yes. Observed: 2 variant alleles.
Comment: RB1: PVS1, PM2, PS4:Moderate, PP4

Ramesar Group, Division of Human Genetics, Institute of Infectious Diseases and Molecular Medicine, UCT/MRC Genomic and Precision Medicine Research Unit, University of Cape Town
Classification: Pathogenic for Hereditary retinoblastoma. Last evaluated: 2025-09-17. Review status: criteria provided, single submitter. Criteria: ACMG Guidelines, 2015. Collection method: research. Allele origin: germline. Affected: yes. Observed: 1 variant allele.
Comment: PVS1: Null variant (nonsense) in a gene (RB1) where LOF is a known mechanism of disease PM2: Absent from gnomAD and ExAC PP4: Patient presents with bilateral retinoblastoma PP5: Reported as pathogenic in ClinVar and the LOVD

Labcorp Genetics (formerly Invitae), Labcorp
Classification: Pathogenic for Retinoblastoma. Last evaluated: 2025-04-24. Review status: criteria provided, single submitter. Criteria: Invitae Variant Classification Sherloc (09022015). Collection method: clinical testing. Allele origin: germline.
Comment: This sequence change creates a premature translational stop signal (p.Arg579*) in the RB1 gene. It is expected to result in an absent or disrupted protein product. Loss-of-function variants in RB1 are known to be pathogenic (PMID: 17096365). This variant is not present in population databases (gnomAD no frequency). This premature translational stop signal has been observed in individual(s) with retinoblastoma (PMID: 7704558, 12541220, 25754945, 27021801, 27582626; internal data). In at least one individual the variant was observed to be de novo. Invitae Evidence Modeling of clinical and family history, age, sex, and reported ancestry of multiple individuals with this RB1 variant has been performed. This variant is expected to be pathogenic with a positive predictive value of at least 99%. This is a validated machine learning model that incorporates the clinical features of 413,071 individuals referred to our laboratory for RB1 testing. ClinVar contains an entry for this variant (Variation ID: 126785). For these reasons, this variant has been classified as Pathogenic.

GeneDx
Classification: Pathogenic. Last evaluated: 2025-02-05. Review status: criteria provided, single submitter. Criteria: GeneDx Variant Classification Process June 2021. Collection method: clinical testing. Allele origin: germline. Affected: yes.
Comment: Nonsense variant predicted to result in protein truncation or nonsense mediated decay in a gene for which loss of function is a known mechanism of disease; Not observed at significant frequency in large population cohorts (gnomAD); This variant is associated with the following publications: (PMID: 25525159, 24810223, 12187430, 27021801, 21763628, 17250439, 7704558, 7795591, 23301675, 25754945, 17960112, 12541220, 15605413, 24791139, 16343894, 25157968, 28449824, 20447117, 19280657, 25236499, 23981928, 27582626, 28803391, 9311732, 30787465, 34277001, 37682130, 31772335, 33332384, 33456302, 34645364, 37932687, 33493472, 26539030)

Genetic Diagnostic Laboratory, University of Pennsylvania School of Medicine
Classification: Pathogenic for Retinoblastoma. Last evaluated: 2024-05-20. Review status: criteria provided, single submitter. Criteria: ACMG Guidelines, 2015. Collection method: clinical testing. Allele origin: germline. Affected: yes. Observed: 23 variant alleles.
Comment: Case and Pedigree Information: BILATERAL CASES:20, UNILATERAL CASES:3, TOTAL CASES:23, PEDIGREES:22 (one pedigree contains both unilateral and bilateral cases). ACMG Codes Applied:PVS1, PM2, PS4S

Ambry Genetics
Classification: Pathogenic for Hereditary cancer-predisposing syndrome. Last evaluated: 2024-03-26. Review status: criteria provided, single submitter. Criteria: Ambry Variant Classification Scheme 2023. Collection method: clinical testing. Allele origin: germline.
Comment: The p.R579* pathogenic mutation (also known as c.1735C>T), located in coding exon 18 of the RB1 gene, results from a C to T substitution at nucleotide position 1735. This changes the amino acid from an arginine to a stop codon within coding exon 18. This alteration has been described in many patients with bilateral and unilateral retinoblastoma and is considered a common and recurrent RB1 mutation (Lohmann DR et al. Am J Hum Genet. 1996 May;58(5):940-9; Richter S et al. Am. J. Hum. Genet. 2003 Feb; 72(2):253-69; Braggio E et al. J Clin Pathol. 2004 Jun;57(6):585-90; Saliminejad K et al. J. Genet. 2013 ; 92(2):e36-40; Yousef YA et al. Fam Cancer. 2018 Apr;17(2):261-268). This variant is considered to be rare based on population cohorts in the Genome Aggregation Database (gnomAD). In addition to the clinical data presented in the literature, this alteration is expected to result in loss of function by premature protein truncation or nonsense-mediated mRNA decay. As such, this alteration is interpreted as a disease-causing mutation.

St. Jude Molecular Pathology, St. Jude Children's Research Hospital
Classification: Pathogenic for Retinoblastoma. Last evaluated: 2023-06-22. Review status: criteria provided, single submitter. Criteria: St. Jude Assertion Criteria 2020. Collection method: clinical testing. Allele origin: germline. Affected: yes.
Comment: The RB1 c.1735C>T (p.Arg579Ter) change is a nonsense variant that is predicted to cause premature protein truncation and loss of normal protein function. This variant has been identified in multiple individuals with retinoblastoma (PMID: 8651278, 12541220, 15166261, 17096365, internal data). This variant is also absent in gnomAD v2.1.1. In summary, this variant meets criteria to be classified as pathogenic.

Genetics and Molecular Pathology, SA Pathology
Classification: Pathogenic for Retinoblastoma. Last evaluated: 2022-05-16. Review status: criteria provided, single submitter. Criteria: ACMG Guidelines, 2015. Collection method: clinical testing. Allele origin: germline. Inheritance: Autosomal dominant inheritance. Affected: yes.

Unidad de Genómica Garrahan, Hospital de Pediatría Garrahan
Classification: Pathogenic for Retinoblastoma. Last evaluated: 2019-03-08. Review status: no assertion criteria provided. Collection method: clinical testing. Allele origin: de novo, germline. Affected: yes. Not counted in ClinVar's aggregate classification.

Literature cited by the submitters: PubMed 17096365 (cited by Labcorp Genetics (formerly Invitae), Labcorp); PubMed 7704558 (cited by Labcorp Genetics (formerly Invitae), Labcorp); PubMed 12541220 (cited by Labcorp Genetics (formerly Invitae), Labcorp and Ambry Genetics); PubMed 25754945 (cited by Labcorp Genetics (formerly Invitae), Labcorp); PubMed 27021801 (cited by Labcorp Genetics (formerly Invitae), Labcorp and Ambry Genetics); PubMed 27582626 (cited by Labcorp Genetics (formerly Invitae), Labcorp); PubMed 15166261 (cited by Ambry Genetics); PubMed 23981928 (cited by Ambry Genetics); PubMed 8651278 (cited by Ambry Genetics).

NM_000321.3(RB1):c.1735C>T (p.Arg579Ter)

Gene: RB1 (RB transcriptional corepressor 1; plus strand). Cytogenetic location: 13q14.2.
Variant type: single nucleotide variant.
Coding change: c.1735C>T on transcript NM_000321.3 (MANE Select); coding-DNA position 1735, C replaced by T.
Protein change: p.Arg579Ter; replaces arginine 579 with a stop codon.
Molecular consequence: nonsense.
Genome position (GRCh38, 1-based): chr13:48,453,032, C>T. VCF-style: chr13-48453032-C-T. GRCh37 (hg19) VCF-style: chr13-49027168-C-T.
Other names: L11910:g.150037C>T; short protein forms R579*.
Identifiers: ClinVar variation 126785 (VCV000126785.26), dbSNP rs121913305, ClinGen allele CA026398.